The following is an entry in ClinVar:

ClinVar aggregate classification (germline): Conflicting classifications of pathogenicity. Review status: criteria provided, conflicting classifications (1 of 4 stars). 2 submissions from 2 submitters: Uncertain significance (1); Likely benign (1). Last evaluated 2026-04-15.

Conditions:
Inborn genetic diseases. Identifiers: MedGen C0950123, MeSH D030342.

gnomAD v4.1: 9 of 1,613,092 alleles (0.00056%); highest among the groups gnomAD compares: South Asian, 0.0022%; no homozygotes.

Submissions (2):

Ambry Genetics
Classification: Likely benign for Inborn genetic diseases. Last evaluated: 2026-04-15. Review status: criteria provided, single submitter. Criteria: Ambry Variant Classification Scheme 2023. Collection method: clinical testing. Allele origin: germline.

CeGaT Center for Human Genetics Tuebingen
Classification: Uncertain significance. Last evaluated: 2023-03-01. Review status: criteria provided, single submitter. Criteria: CeGaT Center For Human Genetics Tuebingen Variant Classification Criteria Version 2. Collection method: clinical testing. Allele origin: germline. Affected: yes. Observed: 2 variant alleles.
Comment: FTL: PM2:Supporting, BP4

NM_000146.4(FTL):c.93C>T (p.Tyr31=)

Gene: FTL (ferritin light chain; plus strand). Cytogenetic location: 19q13.33.
Variant type: single nucleotide variant.
Coding change: c.93C>T on transcript NM_000146.4 (MANE Select); coding-DNA position 93, C replaced by T.
Protein change: p.Tyr31=; no amino-acid change (tyrosine 31 retained).
Molecular consequence: synonymous variant.
Genome position (GRCh38, 1-based): chr19:48,965,600, C>T. VCF-style: chr19-48965600-C-T. GRCh37 (hg19) VCF-style: chr19-49468857-C-T.
Other names: c.93C>T (NM_000146.3).
Identifiers: ClinVar variation 2650225 (VCV002650225.25), dbSNP rs1555796995, ClinGen allele CA9562412.